The following is an entry in ClinVar:

ClinVar aggregate classification (germline): Uncertain significance. Review status: criteria provided, multiple submitters, no conflicts (2 of 4 stars). 3 submissions from 3 submitters: Uncertain significance (3). Last evaluated 2025-09-26.

Conditions:
Atypical hemolytic-uremic syndrome. Identifiers: Orphanet 2134, MedGen C2931788, MONDO:0016244.
Atypical hemolytic-uremic syndrome with B factor anomaly. Also called: HEMOLYTIC UREMIC SYNDROME, ATYPICAL, SUSCEPTIBILITY TO, 4; AHUS, SUSCEPTIBILITY TO, 4. Identifiers: Orphanet 2134, MedGen C2752038, MONDO:0013042, OMIM 612924.

Allele frequency attached by ClinVar (database versions not stated): ExAC 0.00001.

Submissions (3):

Genomenon, Inc
Classification: Uncertain significance for Atypical hemolytic-uremic syndrome. Last evaluated: 2025-09-26. Review status: criteria provided, single submitter. Criteria: Genomenon Sequence Variant Interpretation Standards - Updated. Collection method: curation. Allele origin: germline. Affected: yes.
Comment: CFB p.Arg203Gln (c.608G>A) is a missense variant that changes the amino acid at residue 203 from Arginine to Glutamine. This variant has been observed in at least one proband affected with atypical hemolytic-uremic syndrome (PMID:20513133;24652797). Functional studies have been reported; however, the significance of the findings remain unclear (PMID:24652797). It is absent or not present at a significant frequency in gnomAD. In conclusion, we classify CFB p.Arg203Gln (c.608G>A) as a variant of uncertain significance.

Department of Pathology and Laboratory Medicine, Sinai Health System
Classification: Uncertain significance for atypical hemolytic-uremic syndrome with B factor anomaly. Last evaluated: 2023-03-15. Review status: criteria provided, single submitter. Criteria: ACMG Guidelines, 2015. Collection method: research. Allele origin: germline.

Labcorp Genetics (formerly Invitae), Labcorp
Classification: Uncertain significance. Last evaluated: 2021-12-20. Review status: criteria provided, single submitter. Criteria: Invitae Variant Classification Sherloc (09022015). Collection method: clinical testing. Allele origin: germline.
Comment: In summary, the available evidence is currently insufficient to determine the role of this variant in disease. Therefore, it has been classified as a Variant of Uncertain Significance. Experimental studies are conflicting or provide insufficient evidence to determine the effect of this variant on CFB function (PMID: 24652797). Algorithms developed to predict the effect of missense changes on protein structure and function are either unavailable or do not agree on the potential impact of this missense change (SIFT: "Deleterious"; PolyPhen-2: "Probably Damaging"; Align-GVGD: "Class C0"). This variant is also known as R178Q. This missense change has been observed in individual(s) with clinical features of atypical hemolytic uremic syndrome (PMID: 20513133). This sequence change replaces arginine, which is basic and polar, with glutamine, which is neutral and polar, at codon 203 of the CFB protein (p.Arg203Gln). This variant is present in population databases (rs745794224, gnomAD 0.003%).

Literature cited by the submitters: PubMed 20513133 (cited by Genomenon, Inc and Labcorp Genetics (formerly Invitae), Labcorp); 24652797 (cited by Genomenon, Inc); PubMed 24652797 (cited by Labcorp Genetics (formerly Invitae), Labcorp).

NM_001710.6(CFB):c.608G>A (p.Arg203Gln)

Gene: CFB (complement factor B; plus strand). Cytogenetic location: 6p21.33.
Variant type: single nucleotide variant.
Coding change: c.608G>A on transcript NM_001710.6 (MANE Select); coding-DNA position 608, G replaced by A.
Protein change: p.Arg203Gln; replaces arginine 203 with glutamine.
Molecular consequence: missense variant.
Genome position (GRCh38, 1-based): chr6:31,947,471, G>A. VCF-style: chr6-31947471-G-A. GRCh37 (hg19) VCF-style: chr6-31915248-G-A.
Other names: short protein forms R203Q.
Identifiers: ClinVar variation 2136371 (VCV002136371.6), dbSNP rs745794224, ClinGen allele CA3728085.